The following is an entry in ClinVar:

NC_000012.12:g.121627034T>C

Genes: ORAI1 (ORAI calcium release-activated calcium modulator 1; plus strand), LOC130008987 (ATAC-STARR-seq lymphoblastoid silent region 4981; plus strand). Cytogenetic location: 12q24.31.
Variant type: single nucleotide variant.
Molecular consequence: non-coding transcript variant (on NR_186857.1).
Genome position: GRCh38 VCF-style: chr12-121627034-T-C. GRCh37 (hg19) VCF-style: chr12-122064940-T-C.
Identifiers: ClinVar variation 2113262 (VCV002113262.4), dbSNP rs1464356755, ClinGen allele CA386981187.

ClinVar aggregate classification (germline): Uncertain significance (1 of 4 stars; one submission).

Conditions:
Combined immunodeficiency due to ORAI1 deficiency. Also called: IMMUNODEFICIENCY 9. Identifiers: Orphanet 169090, Orphanet 317428, MedGen C2748568, MONDO:0013007, OMIM 612782.
Myopathy, tubular aggregate, 2 (TAM2). Identifiers: MedGen C4014557, MONDO:0014383, OMIM 615883.

Allele frequency attached by ClinVar (database versions not stated): gnomAD 0.00001; gnomAD exomes below 0.00001; TOPMed below 0.00001.

Submission:

Labcorp Genetics (formerly Invitae), Labcorp
Classification: Uncertain significance for Myopathy, tubular aggregate, 2; Combined immunodeficiency due to ORAI1 deficiency. Last evaluated: 2022-03-17. Review status: criteria provided, single submitter. Criteria: Invitae Variant Classification Sherloc (09022015). Collection method: clinical testing. Allele origin: germline.
Comment: This sequence change replaces leucine, which is neutral and non-polar, with proline, which is neutral and non-polar, at codon 96 of the ORAI1 protein (p.Leu96Pro). This variant is present in population databases (no rsID available, gnomAD 0.007%). This variant has not been reported in the literature in individuals affected with ORAI1-related conditions. Experimental studies and prediction algorithms are not available or were not evaluated, and the functional significance of this variant is currently unknown. In summary, the available evidence is currently insufficient to determine the role of this variant in disease. Therefore, it has been classified as a Variant of Uncertain Significance.